The following is an entry in ClinVar:

ClinVar aggregate classification (germline): Conflicting classifications of pathogenicity. Review status: criteria provided, conflicting classifications (1 of 4 stars). 4 submissions from 4 submitters: Uncertain significance (3); Likely benign (1). Last evaluated 2025-02-05.

Conditions:
Harel-Yoon syndrome (HAYOS). Also called: Optic atrophy-peripheral neuropathy-developmental delay syndrome. Identifiers: Orphanet 496790, MedGen C4310677, MONDO:0014958, OMIM 617183.
Pontocerebellar hypoplasia, hypotonia, and respiratory insufficiency syndrome, neonatal lethal. Also called: PHRINL SYNDROME. Identifiers: Orphanet 615954, MedGen C5394137, MONDO:0032931, OMIM 618810.
Inborn genetic diseases. Identifiers: MedGen C0950123, MeSH D030342.

gnomAD v4.1: 184 of 1,600,456 alleles (0.011%); highest among the groups gnomAD compares: Middle Eastern, 0.05%; no homozygotes.

Submissions (4):

Revvity Omics, Revvity
Classification: Uncertain significance. Last evaluated: 2025-02-05. Review status: criteria provided, single submitter. Criteria: ACMG Guidelines, 2015. Collection method: clinical testing. Allele origin: germline.

3billion
Classification: Likely benign for Pontocerebellar hypoplasia, hypotonia, and respiratory insufficiency syndrome, neonatal lethal; Harel-Yoon syndrome. Last evaluated: 2024-09-20. Review status: criteria provided, single submitter. Criteria: ACMG Guidelines, 2015. Collection method: clinical testing. Allele origin: germline. Affected: no.
Comment: The homozygous variant was found in patients diagnosed with another variant in a different gene, with no symptoms related to the gene containing the homozygous variant.

Ambry Genetics
Classification: Uncertain significance for Inborn genetic diseases. Last evaluated: 2024-01-04. Review status: criteria provided, single submitter. Criteria: Ambry Variant Classification Scheme 2023. Collection method: clinical testing. Allele origin: germline.

CeGaT Center for Human Genetics Tuebingen
Classification: Uncertain significance. Last evaluated: 2023-04-01. Review status: criteria provided, single submitter. Criteria: CeGaT Center For Human Genetics Tuebingen Variant Classification Criteria Version 2. Collection method: clinical testing. Allele origin: germline. Affected: yes. Observed: 2 variant alleles.
Comment: ATAD3A: PM2

NM_001170535.3(ATAD3A):c.1588A>G (p.Ile530Val)

Gene: ATAD3A (ATPase family AAA domain containing 3A; plus strand). Cytogenetic location: 1p36.33.
Variant type: single nucleotide variant.
Coding change: c.1588A>G on transcript NM_001170535.3 (MANE Select); coding-DNA position 1588, A replaced by G.
Protein change: p.Ile530Val; replaces isoleucine 530 with valine.
Molecular consequence: missense variant.
Genome position (GRCh38, 1-based): chr1:1,529,305, A>G. VCF-style: chr1-1529305-A-G. GRCh37 (hg19) VCF-style: chr1-1464685-A-G.
Other names: c.1351A>G, p.Ile451Val (NM_001170536.3); c.1732A>G, p.Ile578Val (NM_018188.5); short protein forms I451V, I530V, I578V.
Identifiers: ClinVar variation 2638039 (VCV002638039.26), dbSNP rs766623034, ClinGen allele CA526480.